The following is an entry in ClinVar:

ClinVar aggregate classification (germline): Uncertain significance. Review status: criteria provided, multiple submitters, no conflicts (2 of 4 stars). 3 submissions from 3 submitters: Uncertain significance (3). Last evaluated 2025-02-21.

Conditions:
Hereditary cancer-predisposing syndrome. Also called: Neoplastic Syndromes, Hereditary; Hereditary Cancer Syndrome; Hereditary neoplastic syndrome; Tumor predisposition. Identifiers: Orphanet 140162, MedGen C0027672, MeSH D009386, MONDO:0015356.
Gastrointestinal stromal tumor. Also called: Gastrointestinal stromal tumor, somatic; Gastrointestinal stroma tumor. Identifiers: Orphanet 44890, MedGen C0238198, MeSH D046152, MONDO:0011719, OMIM 606764, HP:0100723.
Idiopathic hypereosinophilic syndrome (HES). Identifiers: Orphanet 3260, MedGen C0206141, MONDO:0011895, OMIM 607685. Disease mechanism: gain of function.
Polyps, multiple and recurrent inflammatory fibroid, gastrointestinal. Identifiers: MedGen C5193005, MONDO:0008285, OMIM 175510.

Submissions (3):

Ambry Genetics
Classification: Uncertain significance for Hereditary cancer-predisposing syndrome. Last evaluated: 2025-02-21. Review status: criteria provided, single submitter. Criteria: Ambry Variant Classification Scheme 2023. Collection method: clinical testing. Allele origin: germline.
Comment: The p.V930L variant (also known as c.2788G>T), located in coding exon 20 of the PDGFRA gene, results from a G to T substitution at nucleotide position 2788. The valine at codon 930 is replaced by leucine, an amino acid with highly similar properties. This amino acid position is conserved. In addition, the in silico prediction for this alteration is inconclusive. Based on the available evidence, the clinical significance of this variant remains unclear.

Fulgent Genetics
Classification: Uncertain significance for Polyps, multiple and recurrent inflammatory fibroid, gastrointestinal; Idiopathic hypereosinophilic syndrome. Last evaluated: 2024-01-04. Review status: criteria provided, single submitter. Criteria: ACMG Guidelines, 2015. Collection method: clinical testing. Allele origin: germline.

Labcorp Genetics (formerly Invitae), Labcorp
Classification: Uncertain significance for Gastrointestinal stromal tumor. Last evaluated: 2023-12-26. Review status: criteria provided, single submitter. Criteria: Invitae Variant Classification Sherloc (09022015). Collection method: clinical testing. Allele origin: germline.
Comment: This sequence change replaces valine, which is neutral and non-polar, with leucine, which is neutral and non-polar, at codon 930 of the PDGFRA protein (p.Val930Leu). This variant is not present in population databases (gnomAD no frequency). This variant has not been reported in the literature in individuals affected with PDGFRA-related conditions. ClinVar contains an entry for this variant (Variation ID: 1011568). Advanced modeling of protein sequence and biophysical properties (such as structural, functional, and spatial information, amino acid conservation, physicochemical variation, residue mobility, and thermodynamic stability) performed at Invitae indicates that this missense variant is not expected to disrupt PDGFRA protein function with a negative predictive value of 80%. In summary, the available evidence is currently insufficient to determine the role of this variant in disease. Therefore, it has been classified as a Variant of Uncertain Significance.

NM_006206.6(PDGFRA):c.2788G>T (p.Val930Leu)

Gene: PDGFRA (platelet derived growth factor receptor alpha; plus strand). Cytogenetic location: 4q12.
Variant type: single nucleotide variant.
Coding change: c.2788G>T on transcript NM_006206.6 (MANE Select); coding-DNA position 2788, G replaced by T.
Protein change: p.Val930Leu; replaces valine 930 with leucine.
Molecular consequence: missense variant.
Genome position (GRCh38, 1-based): chr4:54,289,022, G>T. VCF-style: chr4-54289022-G-T. GRCh37 (hg19) VCF-style: chr4-55155189-G-T.
Other names: c.2788G>T (NM_006206.4); c.2863G>T, p.Val955Leu (NM_001347828.2); c.2788G>T, p.Val930Leu (NM_001347829.2); c.2827G>T, p.Val943Leu (NM_001347830.2); short protein forms V930L, V943L, V955L.
Identifiers: ClinVar variation 1011568 (VCV001011568.11), dbSNP rs1724498597, ClinGen allele CA356895673.